The following is an entry in ClinVar:

NM_024685.4(BBS10):c.856T>C (p.Ser286Pro)

Gene: BBS10 (Bardet-Biedl syndrome 10; minus strand). Cytogenetic location: 12q21.2.
Variant type: single nucleotide variant.
Coding change: c.856T>C on transcript NM_024685.4 (MANE Select); coding-DNA position 856, T replaced by C.
Protein change: p.Ser286Pro; replaces serine 286 with proline.
Molecular consequence: missense variant.
Genome position (GRCh38, 1-based): chr12:76,347,129, A>G on the plus strand (T>C on the coding strand, the complement: BBS10 is on the minus strand). VCF-style: chr12-76347129-A-G. GRCh37 (hg19) VCF-style: chr12-76740909-A-G.
Other names: c.856T>C (NM_024685.3); short protein forms S286P.
Identifiers: ClinVar variation 4917635 (VCV004917635.2).

ClinVar aggregate classification (germline): Uncertain significance. Review status: criteria provided, multiple submitters, no conflicts (2 of 4 stars). 2 submissions from 2 submitters: Uncertain significance (2). Last evaluated 2024-11-15.

Conditions:
BBS10-related disorder. Also called: BBS10-related condition.

Submissions (2):

PreventionGenetics, part of Exact Sciences
Classification: Uncertain significance for BBS10-related condition. Last evaluated: 2024-11-15. Review status: criteria provided, single submitter. Criteria: ACMG Guidelines, 2015. Collection method: clinical testing. Allele origin: germline.
Comment: The BBS10 c.856T>C variant is predicted to result in the amino acid substitution p.Ser286Pro. To our knowledge, this variant has not been reported in the literature or in a large population database (gnomAD), indicating this variant is rare. At this time, the clinical significance of this variant is uncertain due to the absence of conclusive functional and genetic evidence.

Blueprint Genetics
Classification: Uncertain significance. Last evaluated: 2019-06-18. Review status: criteria provided, single submitter. Criteria: ACMG Guidelines, 2015. Collection method: clinical testing. Allele origin: germline.